The following is an entry in ClinVar:

NM_001395656.1(ROBO2):c.3355C>T (p.His1119Tyr)

Gene: ROBO2 (roundabout guidance receptor 2; plus strand). Cytogenetic location: 3p12.3.
Variant type: single nucleotide variant.
Coding change: c.3355C>T on transcript NM_001395656.1 (MANE Select); coding-DNA position 3355, C replaced by T.
Protein change: p.His1119Tyr; replaces histidine 1119 with tyrosine.
Molecular consequence: missense variant.
Genome position (GRCh38, 1-based): chr3:77,617,562, C>T. VCF-style: chr3-77617562-C-T. GRCh37 (hg19) VCF-style: chr3-77666713-C-T.
Other names: c.3355C>T, p.His1119Tyr (NM_001290040.2, NM_001290039.2); c.1564C>T, p.His522Tyr (NM_001290065.2); c.3403C>T, p.His1135Tyr (NM_001378190.1, NM_001378200.1, NM_001378201.1 and 1 more transcripts); c.3529C>T, p.His1177Tyr (NM_001378191.1, NM_001378195.1, NM_001378196.1); c.3424C>T, p.His1142Tyr (NM_001378192.1, NM_001378198.1, NM_001378199.1); c.3343C>T, p.His1115Tyr (NM_001378193.1, NM_002942.5); c.3541C>T, p.His1181Tyr (NM_001378194.1); c.3469C>T, p.His1157Tyr (NM_001378197.1); and 5 more; short protein forms H1115Y, H1116Y, H1119Y, H1131Y, H1135Y, H1138Y, H1142Y, H1157Y.
Identifiers: ClinVar variation 1695078 (VCV001695078.31), dbSNP rs2153702957, ClinGen allele CA353531415.

ClinVar aggregate classification (germline): Uncertain significance (1 of 4 stars; one submission).

Submission:

CeGaT Center for Human Genetics Tuebingen
Classification: Uncertain significance. Last evaluated: 2022-06-01. Review status: criteria provided, single submitter. Criteria: CeGaT Center For Human Genetics Tuebingen Variant Classification Criteria Version 2. Collection method: clinical testing. Allele origin: germline. Affected: yes. Observed: 1 variant allele.
Comment: ROBO2: PM2